The following is an entry in ClinVar:

ClinVar aggregate classification (germline): Uncertain significance (1 of 4 stars; one submission).

Conditions:
MYH14-related disorder. Also called: MYH14-related condition.

gnomAD v4.1: 20 of 1,550,948 alleles (0.0013%); highest among the groups gnomAD compares: African/African-American, 0.0041%; no homozygotes.

Submission:

PreventionGenetics, part of Exact Sciences
Classification: Uncertain significance for MYH14-related condition. Last evaluated: 2025-11-17. Review status: criteria provided, single submitter. Criteria: ACMG Guidelines, 2015. Collection method: clinical testing. Allele origin: germline.
Comment: The MYH14 c.5708G>A variant is predicted to result in the amino acid substitution p.Arg1903His. To our knowledge, this variant has not been reported in the literature. This variant is reported in 0.023% of alleles in individuals of African descent in gnomAD. Although we suspect that this variant may be benign, at this time, the clinical significance of this variant is uncertain due to the absence of conclusive functional and genetic evidence.

NM_001145809.2(MYH14):c.5708G>A (p.Arg1903His)

Gene: MYH14 (myosin heavy chain 14; plus strand). Cytogenetic location: 19q13.33.
Variant type: single nucleotide variant.
Coding change: c.5708G>A on transcript NM_001145809.2 (MANE Select); coding-DNA position 5708, G replaced by A.
Protein change: p.Arg1903His; replaces arginine 1903 with histidine.
Molecular consequence: missense variant.
Genome position (GRCh38, 1-based): chr19:50,307,078, G>A. VCF-style: chr19-50307078-G-A. GRCh37 (hg19) VCF-style: chr19-50810335-G-A.
Other names: c.5609G>A, p.Arg1870His (NM_001077186.2); c.5585G>A, p.Arg1862His (NM_024729.4); short protein forms R1862H, R1903H, R1870H.
Identifiers: ClinVar variation 4984705 (VCV004984705.1).